The following is an entry in ClinVar:

NM_001270974.2(HYDIN):c.9248+17C>G

Gene: HYDIN (HYDIN axonemal central pair apparatus protein; minus strand). Cytogenetic location: 16q22.2.
Variant type: single nucleotide variant.
Coding change: c.9248+17C>G on transcript NM_001270974.2 (MANE Select); 17 bases into the intron after coding-DNA position 9248, C replaced by G.
Molecular consequence: intron variant.
Genome position (GRCh38, 1-based): chr16:70,894,432, G>C on the plus strand (C>G on the coding strand, the complement: HYDIN is on the minus strand). VCF-style: chr16-70894432-G-C. GRCh37 (hg19) VCF-style: chr16-70928335-G-C.
Identifiers: ClinVar variation 1031949 (VCV001031949.3), dbSNP rs150471373, ClinGen allele CA8149568.

ClinVar aggregate classification (germline): Conflicting classifications of pathogenicity. Review status: criteria provided, conflicting classifications (1 of 4 stars). 3 submissions from 3 submitters: Uncertain significance (2); Likely benign (1). Last evaluated 2024-10-23.

Conditions:
Primary ciliary dyskinesia 5. Also called: CILIARY DYSKINESIA, PRIMARY, 5, WITHOUT SITUS INVERSUS. Identifiers: Orphanet 244, MedGen C1837615, MONDO:0012088, OMIM 608647.

Allele frequency attached by ClinVar (database versions not stated): gnomAD exomes 0.00058 and 0.00104; ExAC 0.00117; gnomAD 0.00322 and 0.00319; TOPMed 0.00382; 1000 Genomes Project 0.00419; 1000 Genomes Project 30x 0.00531; ESP Exome Variant Server 0.00247.
gnomAD v4.1: 1,396 of 1,607,466 alleles (0.087%); highest among the groups gnomAD compares: African/African-American, 1.1%; 12 homozygotes.

Submissions (3):

Blueprint Genetics
Classification: Likely benign. Last evaluated: 2024-10-23. Review status: criteria provided, single submitter. Criteria: ACMG Guidelines, 2015. Collection method: clinical testing. Allele origin: germline.

Baylor Genetics
Classification: Uncertain significance for Primary ciliary dyskinesia 5. Last evaluated: 2018-02-13. Review status: criteria provided, single submitter. Criteria: ACMG Guidelines, 2015. Collection method: clinical testing. Allele origin: paternal. Affected: yes.
Comment: This variant was determined to be of uncertain significance according to ACMG Guidelines, 2015 [PMID:25741868].

Breakthrough Genomics
Classification: Uncertain significance. Review status: criteria provided, single submitter. Criteria: ACMG Guidelines, 2015. Collection method: not provided. Allele origin: germline. Inheritance: Autosomal recessive inheritance. Affected: yes.